The following is an entry in ClinVar:

NM_002585.4(PBX1):c.595C>T (p.Arg199Trp)

Gene: PBX1 (PBX homeobox 1; plus strand). Cytogenetic location: 1q23.3.
Variant type: single nucleotide variant.
Coding change: c.595C>T on transcript NM_002585.4 (MANE Select); coding-DNA position 595, C replaced by T.
Protein change: p.Arg199Trp; replaces arginine 199 with tryptophan.
Molecular consequence: missense variant.
Genome position (GRCh38, 1-based): chr1:164,799,783, C>T. VCF-style: chr1-164799783-C-T. GRCh37 (hg19) VCF-style: chr1-164769020-C-T.
Other names: c.595C>T (NM_002585.3); c.595C>T, p.Arg199Trp (NM_001204961.2, NM_001204963.2, NM_001353131.2); c.346C>T, p.Arg116Trp (NM_001353130.1); short protein forms R199W, R116W.
Identifiers: ClinVar variation 3599739 (VCV003599739.2).
Genomic context (GRCh38, chr1:164,799,783, plus strand): 5'-GTGATGAATCTCCTGCGAGAGCAAAGCCGGACCAGGCCCATCTCCCCAAAGGAGATTGAG[C>T]GGATGGTCAGCATCATCCACCGCAAGTTCAGCTCCATCCAGATGCAGCTCAAGCAGAGCA-3'
Protein context (NP_002576.1, residues 189-209): TRPISPKEIE[Arg199Trp]MVSIIHRKFS

ClinVar aggregate classification (germline): Uncertain significance. Review status: criteria provided, multiple submitters, no conflicts (2 of 4 stars). 2 submissions from 2 submitters: Uncertain significance (2). Last evaluated 2026-03-19.

Conditions:
Congenital anomalies of kidney and urinary tract syndrome with or without hearing loss, abnormal ears, or developmental delay. Also called: Congenital Anomalies of the Kidney and Urinary Tract syndrome with or without Hearing Loss, Abnormal Ears, or Developmental Delay. Identifiers: Orphanet 656130, MedGen C4539968, MONDO:0060549, OMIM 617641.
Inborn genetic diseases. Identifiers: MedGen C0950123, MeSH D030342.

gnomAD v4.1: 5 of 1,613,962 alleles (0.00031%); highest among the groups gnomAD compares: African/African-American, 0.0027%; no homozygotes.

Submissions (2):

Ambry Genetics
Classification: Uncertain significance for Inborn genetic diseases. Last evaluated: 2026-03-19. Review status: criteria provided, single submitter. Criteria: Ambry Variant Classification Scheme 2023. Collection method: clinical testing. Allele origin: germline.
Comment: The c.595C>T (p.R199W) alteration is located in exon 4 (coding exon 4) of the PBX1 gene. This alteration results from a C to T substitution at nucleotide position 595, causing the arginine (R) at amino acid position 199 to be replaced by a tryptophan (W). Based on data from gnomAD, the T allele has an overall frequency of <0.001% (1/251368) total alleles studied. The highest observed frequency was 0.001% (1/113682) of European (non-Finnish) alleles. Based on insufficient or conflicting evidence, the clinical significance of this alteration remains unclear.

Fulgent Genetics
Classification: Uncertain significance for Congenital anomalies of kidney and urinary tract syndrome with or without hearing loss, abnormal ears, or developmental delay. Last evaluated: 2024-01-05. Review status: criteria provided, single submitter. Criteria: ACMG Guidelines, 2015. Collection method: clinical testing. Allele origin: germline.